The following is an entry in ClinVar:

ClinVar aggregate classification (germline): Uncertain significance (1 of 4 stars; one submission).

Conditions:
Epileptic encephalopathy. Identifiers: MedGen C0543888, HP:0200134.

Allele frequency attached by ClinVar (database versions not stated): ExAC 0.00014; gnomAD 0.00001 and 0.00002; TOPMed 0.00002; gnomAD exomes 0.00010.
gnomAD v4.1: 52 of 1,549,438 alleles (0.0034%); highest among the groups gnomAD compares: South Asian, 0.031%; 1 homozygote.

Submission:

Labcorp Genetics (formerly Invitae), Labcorp
Classification: Uncertain significance for Epileptic encephalopathy. Last evaluated: 2025-11-26. Review status: criteria provided, single submitter. Criteria: Invitae Variant Classification Sherloc (09022015). Collection method: clinical testing. Allele origin: germline.
Comment: This sequence change replaces threonine, which is neutral and polar, with methionine, which is neutral and non-polar, at codon 1670 of the FASN protein (p.Thr1670Met). This variant is present in population databases (rs753648795, gnomAD 0.03%). This variant has not been reported in the literature in individuals affected with FASN-related conditions. ClinVar contains an entry for this variant (Variation ID: 581909). An algorithm developed to predict the effect of missense changes on protein structure and function (PolyPhen-2) suggests that this variant is likely to be disruptive. In summary, the available evidence is currently insufficient to determine the role of this variant in disease. Therefore, it has been classified as a Variant of Uncertain Significance.

NM_004104.5(FASN):c.5009C>T (p.Thr1670Met)

Gene: FASN (fatty acid synthase; minus strand). Cytogenetic location: 17q25.3.
Variant type: single nucleotide variant.
Coding change: c.5009C>T on transcript NM_004104.5 (MANE Select); coding-DNA position 5009, C replaced by T.
Protein change: p.Thr1670Met; replaces threonine 1670 with methionine.
Molecular consequence: missense variant.
Genome position (GRCh38, 1-based): chr17:82,084,064, G>A on the plus strand (C>T on the coding strand, the complement: FASN is on the minus strand). VCF-style: chr17-82084064-G-A. GRCh37 (hg19) VCF-style: chr17-80041940-G-A.
Other names: short protein forms T1670M.
Identifiers: ClinVar variation 581909 (VCV000581909.10), dbSNP rs753648795, ClinGen allele CA8851860.
Genomic context (GRCh38, chr17:82,084,064, plus strand): 5'-CTGAGGGCGATGGCGATGGCGGCCTGGCCCACGCCGCCCGAGCCCGAGTGGATGAGCAGC[G>A]TCTCCCCGGGGCGCACCCGCCCACGCACCACCAGCGCGTAGTAGGCCGTGCTGTAGACGA-3'
Protein context (NP_004095.4, residues 1660-1680): VVRGRVRPGE[Thr1670Met]LLIHSGSGGV